The following is an entry in ClinVar:

ClinVar aggregate classification (germline): Uncertain significance (1 of 4 stars; one submission).

Submission:

Labcorp Genetics (formerly Invitae), Labcorp
Classification: Uncertain significance. Last evaluated: 2023-06-17. Review status: criteria provided, single submitter. Criteria: Invitae Variant Classification Sherloc (09022015). Collection method: clinical testing. Allele origin: germline.
Comment: This variant, c.57_59del, results in the deletion of 1 amino acid(s) of the LARP7 protein (p.Lys21del), but otherwise preserves the integrity of the reading frame. The frequency data for this variant in the population databases is considered unreliable, as metrics indicate poor data quality at this position in the gnomAD database. This variant has not been reported in the literature in individuals affected with LARP7-related conditions. Experimental studies and prediction algorithms are not available or were not evaluated, and the functional significance of this variant is currently unknown. In summary, the available evidence is currently insufficient to determine the role of this variant in disease. Therefore, it has been classified as a Variant of Uncertain Significance.

NM_016648.4(LARP7):c.57_59del (p.Lys21del)

Gene: LARP7 (La ribonucleoprotein 7, transcriptional regulator; plus strand). Cytogenetic location: 4q25.
Variant type: Deletion.
Coding change: c.57_59del on transcript NM_016648.4 (MANE Select); coding-DNA positions 57 to 59, 3 bases deleted (GAA; older notation c.57_59delGAA).
Protein change: p.Lys21del; deletes lysine 21.
Molecular consequence: inframe deletion. On other transcripts: 5 prime UTR variant (2).
Genome position (GRCh38, 1-based): chr4:112,644,726-112,644,728, GAA deleted; deleting any 3 consecutive bases within chr4:112,644,724-112,644,728 gives the same sequence; the c. name uses the placement nearest the transcript's 3' end. VCF-style (leftmost placement, unchanged base first): chr4-112644723-AAAG-A. GRCh37 (hg19) VCF-style: chr4-113565879-AAAG-A.
Other names: c.57_59del, p.Lys21del (NM_001267039.4, NM_001370974.1, NM_001370975.1 and 6 more transcripts); c.-78_-76del (NM_001370981.1, NM_001370982.1); short protein forms K21del.
Identifiers: ClinVar variation 2913543 (VCV002913543.3), dbSNP rs758915328, ClinGen allele CA3048923.